The following is an entry in ClinVar:

NM_000051.4(ATM):c.274A>G (p.Lys92Glu)

Gene: ATM (ATM serine/threonine kinase; plus strand). Cytogenetic location: 11q22.3.
Variant type: single nucleotide variant.
Coding change: c.274A>G on transcript NM_000051.4 (MANE Select); coding-DNA position 274, A replaced by G.
Protein change: p.Lys92Glu; replaces lysine 92 with glutamic acid.
Molecular consequence: missense variant.
Genome position (GRCh38, 1-based): chr11:108,229,266, A>G. VCF-style: chr11-108229266-A-G. GRCh37 (hg19) VCF-style: chr11-108099993-A-G.
Other names: c.274A>G, p.Lys92Glu (NM_001351834.2, NM_001351835.2, NM_001351836.2); short protein forms K92E.
Identifiers: ClinVar variation 821756 (VCV000821756.19), dbSNP rs756969590, ClinGen allele CA6264544.

ClinVar aggregate classification (germline): Uncertain significance. Review status: criteria provided, multiple submitters, no conflicts (2 of 4 stars). 5 submissions from 5 submitters: Uncertain significance (5). Last evaluated 2024-12-23.

Conditions:
Hereditary cancer-predisposing syndrome. Also called: Hereditary Cancer Syndrome; Neoplastic Syndromes, Hereditary; Hereditary neoplastic syndrome; Tumor predisposition. Identifiers: Orphanet 140162, MedGen C0027672, MeSH D009386, MONDO:0015356.
Familial cancer of breast. Also called: Hereditary breast cancer; hereditary breast carcinoma; BREAST CANCER, FAMILIAL. Identifiers: Orphanet 227535, MedGen C0346153, MONDO:0016419, OMIM 114480. Disease mechanism: loss of function.
Ataxia-telangiectasia syndrome (AT). Also called: Cerebello-oculocutaneous telangiectasia; Immunodeficiency with ataxia telangiectasia; Ataxia-telangiectasia, complementation group E; Ataxia-telangiectasia, complementation group D; AT, COMPLEMENTATION GROUP C; ATAXIA-TELANGIECTASIA, COMPLEMENTATION GROUP A. Identifiers: Orphanet 100, MedGen C0004135, MONDO:0008840, OMIM 208900.

Allele frequency attached by ClinVar (database versions not stated): gnomAD exomes below 0.00001; ExAC 0.00001.
gnomAD v4.1: 1 of 1,613,896 alleles (0.000062%); highest among the groups gnomAD compares: South Asian, 0.0011%; no homozygotes.

Submissions (5):

Women's Health and Genetics/Laboratory Corporation of America, LabCorp
Classification: Uncertain significance. Last evaluated: 2024-12-23. Review status: criteria provided, single submitter. Criteria: LabCorp Variant Classification Summary - May 2015. Collection method: clinical testing. Allele origin: germline.
Comment: Variant summary: ATM c.274A>G (p.Lys92Glu) results in a conservative amino acid change located in the Telomere-length maintenance and DNA damage repair domain (IPR021668) of the encoded protein sequence. Three of five in-silico tools predict a damaging effect of the variant on protein function. The variant allele was found at a frequency of 4e-06 in 251064 control chromosomes. The available data on variant occurrences in the general population are insufficient to allow any conclusion about variant significance. c.274A>G has been reported in the presumed heterozygous state in the literature in at least 1 individual affected with breast cancer and other cancer(s) (example, Bhai_2021). These report(s) do not provide unequivocal conclusions about association of the variant with ATM-related conditions. To our knowledge, no experimental evidence demonstrating an impact on protein function has been reported. The following publication has been ascertained in the context of this evaluation (PMID: 34326862). ClinVar contains an entry for this variant (Variation ID: 821756). Based on the evidence outlined above, the variant was classified as uncertain significance.

Labcorp Genetics (formerly Invitae), Labcorp
Classification: Uncertain significance for Ataxia-telangiectasia syndrome. Last evaluated: 2023-11-24. Review status: criteria provided, single submitter. Criteria: Invitae Variant Classification Sherloc (09022015). Collection method: clinical testing. Allele origin: germline.
Comment: This sequence change replaces lysine, which is basic and polar, with glutamic acid, which is acidic and polar, at codon 92 of the ATM protein (p.Lys92Glu). This variant is present in population databases (rs756969590, gnomAD 0.003%). This missense change has been observed in individual(s) with breast cancer (PMID: 34326862). ClinVar contains an entry for this variant (Variation ID: 821756). Advanced modeling of protein sequence and biophysical properties (such as structural, functional, and spatial information, amino acid conservation, physicochemical variation, residue mobility, and thermodynamic stability) performed at Invitae indicates that this missense variant is not expected to disrupt ATM protein function with a negative predictive value of 95%. In summary, the available evidence is currently insufficient to determine the role of this variant in disease. Therefore, it has been classified as a Variant of Uncertain Significance.

Baylor Genetics
Classification: Uncertain significance for Familial cancer of breast. Last evaluated: 2023-08-20. Review status: criteria provided, single submitter. Criteria: ACMG Guidelines, 2015. Collection method: clinical testing. Allele origin: unknown.

Color Diagnostics, LLC DBA Color Health
Classification: Uncertain significance for Hereditary cancer-predisposing syndrome. Last evaluated: 2019-12-10. Review status: criteria provided, single submitter. Criteria: ACMG Guidelines, 2015. Collection method: clinical testing. Allele origin: germline.
Comment: This missense variant replaces lysine with glutamic acid at codon 92 of the ATM protein. Computational prediction suggests that this variant may not impact protein structure and function (internally defined REVEL score threshold <= 0.5, PMID: 27666373). Splice site prediction tools suggest that this variant may not impact RNA splicing. To our knowledge, functional studies have not been performed for this variant. This variant has not been reported in individuals affected with hereditary cancer in the literature. This variant has been identified in 1/251064 chromosomes in the general population by the Genome Aggregation Database (gnomAD). The available evidence is insufficient to determine the role of this variant in disease conclusively. Therefore, this variant is classified as a Variant of Uncertain Significance.

Ambry Genetics
Classification: Uncertain significance for Hereditary cancer-predisposing syndrome. Last evaluated: 2019-05-28. Review status: criteria provided, single submitter. Criteria: Ambry Variant Classification Scheme 2023. Collection method: clinical testing. Allele origin: germline.
Comment: The p.K92E variant (also known as c.274A>G), located in coding exon 3 of the ATM gene, results from an A to G substitution at nucleotide position 274. The lysine at codon 92 is replaced by glutamic acid, an amino acid with similar properties. This amino acid position is highly conserved in available vertebrate species. In addition, this alteration is predicted to be deleterious by in silico analysis. Since supporting evidence is limited at this time, the clinical significance of this alteration remains unclear.

Literature cited by the submitters: PubMed 34326862 (cited by Women's Health and Genetics/Laboratory Corporation of America, LabCorp and Labcorp Genetics (formerly Invitae), Labcorp).